The following is an entry in ClinVar:

ClinVar aggregate classification (germline): Uncertain significance (1 of 4 stars; one submission).

Submission:

Labcorp Genetics (formerly Invitae), Labcorp
Classification: Uncertain significance. Last evaluated: 2025-03-27. Review status: criteria provided, single submitter. Criteria: Invitae Variant Classification Sherloc (09022015). Collection method: clinical testing. Allele origin: germline.
Comment: This variant, c.541_558del, results in the deletion of 6 amino acid(s) of the POLE protein (p.Asp181_Ala186del), but otherwise preserves the integrity of the reading frame. This variant is not present in population databases (gnomAD no frequency). This variant has not been reported in the literature in individuals affected with POLE-related conditions. Experimental studies and prediction algorithms are not available or were not evaluated, and the functional significance of this variant is currently unknown. In summary, the available evidence is currently insufficient to determine the role of this variant in disease. Therefore, it has been classified as a Variant of Uncertain Significance.

NM_006231.4(POLE):c.541_558del (p.Asp181_Ala186del)

Gene: POLE (DNA polymerase epsilon, catalytic subunit; minus strand). Cytogenetic location: 12q24.33.
Variant type: Deletion.
Coding change: c.541_558del on transcript NM_006231.4 (MANE Select); coding-DNA positions 541 to 558, 18 bases deleted (GATCACGCCAGCGACGCG).
Protein change: p.Asp181_Ala186del.
Molecular consequence: inframe deletion.
Genome position (GRCh38, 1-based): chr12:132,679,517-132,679,534, CGCGTCGCTGGCGTGATC deleted on the plus strand (GATCACGCCAGCGACGCG on the coding strand, the reverse complement: POLE is on the minus strand); deleting any 18 consecutive bases within chr12:132,679,517-132,679,535 gives the same sequence; the c. name uses the placement nearest the transcript's 3' end. VCF-style (leftmost placement, unchanged base first): chr12-132679516-ACGCGTCGCTGGCGTGATC-A. GRCh37 (hg19) VCF-style: chr12-133256102-ACGCGTCGCTGGCGTGATC-A.
Identifiers: ClinVar variation 4716126 (VCV004716126.1).